The following is an entry in ClinVar:

ClinVar aggregate classification (germline): Uncertain significance (1 of 4 stars; one submission).

Submission:

GeneDx
Classification: Uncertain significance. Last evaluated: 2017-11-27. Review status: criteria provided, single submitter. Criteria: GeneDx Variant Classification (06012015). Collection method: clinical testing. Allele origin: germline. Affected: yes.
Comment: The c.116_124dupCGGCTCAGG variant has not been published as a pathogenic variant, nor has it been reported as a benign variant to our knowledge. This variant is not observed in large population cohorts (Lek et al., 2016). The c.116_124dupCGGCTCAGG variant results in an in-frame duplication of three amino acid residues, denoted p.Ala39_Gln41dup. However, other in-frame duplications or missense variants have not been reported at nearby residues in the Human Gene Mutation Database (Stenson et al., 2014).

NM_153247.4(SLC29A4):c.116_124dup (p.Ala39_Gln41dup)

Gene: SLC29A4 (solute carrier family 29 member 4; plus strand). Cytogenetic location: 7p22.1.
Variant type: Duplication.
Coding change: c.116_124dup on transcript NM_153247.4 (MANE Select); coding-DNA positions 116 to 124, 9 bases duplicated (CGGCTCAGG; older notation c.116_124dupCGGCTCAGG).
Protein change: p.Ala39_Gln41dup.
Molecular consequence: inframe insertion.
Genome position (GRCh38, 1-based): chr7:5,287,932-5,287,940, CGGCTCAGG duplicated; duplicating any 9 consecutive bases within chr7:5,287,929-5,287,940 gives the same sequence; the c. name uses the placement nearest the transcript's 3' end. VCF-style (leftmost placement, unchanged base first): chr7-5287928-G-GAGGCGGCTC. GRCh37 (hg19) VCF-style: chr7-5327559-G-GAGGCGGCTC.
Other names: c.116_124dupCGGCTCAGG (NM_153247.2); c.116_124dup, p.Ala39_Gln41dup (NM_001040661.3, NM_001300847.3).
Identifiers: ClinVar variation 503838 (VCV000503838.2), dbSNP rs1554261667, ClinGen allele CA658796899.